The following is an entry in ClinVar:

ClinVar aggregate classification (germline): Likely benign. Review status: criteria provided, multiple submitters, no conflicts (2 of 4 stars). 2 submissions from 2 submitters: Likely benign (2). Last evaluated 2026-09-07.

Conditions:
TRIM22-related disorder. Also called: TRIM22-related condition.

gnomAD v4.1: 1,635 of 1,611,710 alleles (0.1%); highest among the groups gnomAD compares: Non-Finnish European, 0.12%; 1 homozygote.

Submissions (2):

PreventionGenetics, part of Exact Sciences
Classification: Likely benign for TRIM22-related condition. Last evaluated: 2026-09-07. Review status: criteria provided, single submitter. Criteria: ACMG Guidelines, 2015. Collection method: clinical testing. Allele origin: germline.
Comment: This variant is classified as likely benign based on ACMG/AMP sequence variant interpretation guidelines (Richards et al. 2015 PMID: 25741868, with internal and published modifications).

CeGaT Center for Human Genetics Tuebingen
Classification: Likely benign. Last evaluated: 2025-09-01. Review status: criteria provided, single submitter. Criteria: CeGaT Center For Human Genetics Tuebingen Variant Classification Criteria Version 2. Collection method: clinical testing. Allele origin: germline. Affected: yes. Observed: 1 variant allele.
Comment: TRIM22: BP4

NM_006074.5(TRIM22):c.1450C>T (p.Pro484Ser)

Gene: TRIM22 (tripartite motif containing 22; plus strand). Cytogenetic location: 11p15.4.
Variant type: single nucleotide variant.
Coding change: c.1450C>T on transcript NM_006074.5 (MANE Select); coding-DNA position 1450, C replaced by T.
Protein change: p.Pro484Ser; replaces proline 484 with serine.
Molecular consequence: missense variant.
Genome position (GRCh38, 1-based): chr11:5,709,601, C>T. VCF-style: chr11-5709601-C-T. GRCh37 (hg19) VCF-style: chr11-5730831-C-T.
Other names: c.1438C>T, p.Pro480Ser (NM_001199573.2); c.1450C>T (NM_006074.4); short protein forms P480S, P484S.
Identifiers: ClinVar variation 4083879 (VCV004083879.9).